The following is an entry in ClinVar:

NM_007255.3(B4GALT7):c.684C>G (p.Asp228Glu)

Gene: B4GALT7 (beta-1,4-galactosyltransferase 7; plus strand). Cytogenetic location: 5q35.3.
Variant type: single nucleotide variant.
Coding change: c.684C>G on transcript NM_007255.3 (MANE Select); coding-DNA position 684, C replaced by G.
Protein change: p.Asp228Glu; replaces aspartic acid 228 with glutamic acid.
Molecular consequence: missense variant.
Genome position (GRCh38, 1-based): chr5:177,608,583, C>G. VCF-style: chr5-177608583-C-G. GRCh37 (hg19) VCF-style: chr5-177035584-C-G.
Other names: short protein forms D228E.
Identifiers: ClinVar variation 3373348 (VCV003373348.1).

ClinVar aggregate classification (germline): Uncertain significance (1 of 4 stars; one submission).

Submission:

GeneDx
Classification: Uncertain significance. Last evaluated: 2024-05-03. Review status: criteria provided, single submitter. Criteria: GeneDx Variant Classification Process June 2021. Collection method: clinical testing. Allele origin: germline. Affected: yes.
Comment: Not observed at significant frequency in large population cohorts (gnomAD); In silico analysis supports that this missense variant has a deleterious effect on protein structure/function; Has not been previously published as pathogenic or benign to our knowledge